The following is an entry in ClinVar:

ClinVar aggregate classification (germline): Uncertain significance (1 of 4 stars; one submission).

Conditions:
Malignant hyperthermia, susceptibility to, 1 (MHS1). Also called: RYR1-Related Malignant Hyperthermia Susceptibility; Malignant hyperthermia suceptibility 1; Anesthesia related hyperthermia; Malignant hyperpyrexia; Fulminating hyperpyrexia; Pharmacogenic myopathy. Identifiers: Orphanet 423, MedGen C2930980, MONDO:0007783, OMIM 145600.

gnomAD v4.1: 4 of 1,611,360 alleles (0.00025%); highest among the groups gnomAD compares: East Asian, 0.0045%; no homozygotes.

Submission:

Color Diagnostics, LLC DBA Color Health
Classification: Uncertain significance for Malignant hyperthermia, susceptibility to, 1. Last evaluated: 2024-03-06. Review status: criteria provided, single submitter. Criteria: ACMG Guidelines, 2015. Collection method: clinical testing. Allele origin: germline.
Comment: This missense variant replaces methionine with valine at codon 2618 of the RYR1 protein. Computational prediction suggests that this variant may have deleterious impact on protein structure and function. To our knowledge, functional studies have not been reported for this variant. This variant has not been reported in individuals affected with RYR1-related disorders in the literature. This variant has not been identified in the general population by the Genome Aggregation Database (gnomAD). The available evidence is insufficient to determine the role of this variant in disease conclusively. Therefore, this variant is classified as a Variant of Uncertain Significance.

NM_000540.3(RYR1):c.7852A>G (p.Met2618Val)

Gene: RYR1 (ryanodine receptor 1; plus strand). Cytogenetic location: 19q13.2.
Variant type: single nucleotide variant.
Coding change: c.7852A>G on transcript NM_000540.3 (MANE Select); coding-DNA position 7852, A replaced by G.
Protein change: p.Met2618Val; replaces methionine 2618 with valine.
Molecular consequence: missense variant.
Genome position (GRCh38, 1-based): chr19:38,502,896, A>G. VCF-style: chr19-38502896-A-G. GRCh37 (hg19) VCF-style: chr19-38993536-A-G.
Other names: c.7852A>G, p.Met2618Val (NM_001042723.2); short protein forms M2618V.
Identifiers: ClinVar variation 4758644 (VCV004758644.1).